The following is an entry in ClinVar:

NM_000760.4(CSF3R):c.1072-1G>T

Gene: CSF3R (colony stimulating factor 3 receptor; minus strand). Cytogenetic location: 1p34.3.
Variant type: single nucleotide variant.
Coding change: c.1072-1G>T on transcript NM_000760.4 (MANE Select); the canonical splice acceptor site of the intron before coding-DNA position 1072, G replaced by T.
Molecular consequence: splice acceptor variant.
Genome position (GRCh38, 1-based): chr1:36,471,647, C>A on the plus strand (G>T on the coding strand, the complement: CSF3R is on the minus strand). VCF-style: chr1-36471647-C-A. GRCh37 (hg19) VCF-style: chr1-36937248-C-A.
Other names: c.1072-1G>T (NM_156039.3, NM_172313.3).
Identifiers: ClinVar variation 4885318 (VCV004885318.2).

ClinVar aggregate classification (germline): Likely pathogenic (1 of 4 stars; one submission).

Submission:

Dasa
Classification: Likely pathogenic. Last evaluated: 2025-10-08. Review status: criteria provided, single submitter. Criteria: DASA Assertion Criteria. Collection method: clinical testing. Allele origin: germline.
Comment: NM_000760.4(CSF3R):c.1072-1G>T affects a canonical splice site and is predicted to disrupt normal RNA splicing. Loss of function is an established disease mechanism for CSF3R-associated disorders. Also, this variant is absent from population databases. Based on the currently available evidence, this variant is classified as likely pathogenic.